The following is an entry in ClinVar:

ClinVar aggregate classification (germline): Uncertain significance (1 of 4 stars; one submission).

Conditions:
Propionic acidemia (PROP). Also called: GLYCINEMIA, KETOTIC; HYPERGLYCINEMIA WITH KETOACIDOSIS AND LEUKOPENIA; KETOTIC HYPERGLYCINEMIA. Identifiers: Orphanet 35, MedGen C0268579, MONDO:0011628, OMIM 606054, HP:0003571.

Allele frequency attached by ClinVar (database versions not stated): ExAC 0.00001; gnomAD exomes 0.00001; ESP Exome Variant Server 0.00008.
gnomAD v4.1: 3 of 1,613,936 alleles (0.00019%); highest among the groups gnomAD compares: Admixed American, 0.0033%; no homozygotes.

Submission:

Labcorp Genetics (formerly Invitae), Labcorp
Classification: Uncertain significance for Propionic acidemia. Last evaluated: 2022-07-17. Review status: criteria provided, single submitter. Criteria: Invitae Variant Classification Sherloc (09022015). Collection method: clinical testing. Allele origin: germline.
Comment: This sequence change replaces phenylalanine, which is neutral and non-polar, with valine, which is neutral and non-polar, at codon 329 of the PCCB protein (p.Phe329Val). This variant is present in population databases (rs367662015, gnomAD 0.006%). This variant has not been reported in the literature in individuals affected with PCCB-related conditions. Advanced modeling of protein sequence and biophysical properties (such as structural, functional, and spatial information, amino acid conservation, physicochemical variation, residue mobility, and thermodynamic stability) performed at Invitae indicates that this missense variant is expected to disrupt PCCB protein function. In summary, the available evidence is currently insufficient to determine the role of this variant in disease. Therefore, it has been classified as a Variant of Uncertain Significance.

NM_000532.5(PCCB):c.985T>G (p.Phe329Val)

Gene: PCCB (propionyl-CoA carboxylase subunit beta; plus strand). Cytogenetic location: 3q22.3.
Variant type: single nucleotide variant.
Coding change: c.985T>G on transcript NM_000532.5 (MANE Select); coding-DNA position 985, T replaced by G.
Protein change: p.Phe329Val; replaces phenylalanine 329 with valine.
Molecular consequence: missense variant.
Genome position (GRCh38, 1-based): chr3:136,316,959, T>G. VCF-style: chr3-136316959-T-G. GRCh37 (hg19) VCF-style: chr3-136035801-T-G.
Other names: c.1045T>G, p.Phe349Val (NM_001178014.2); short protein forms F349V, F329V.
Identifiers: ClinVar variation 2156415 (VCV002156415.4), dbSNP rs367662015, ClinGen allele CA2631977.